The following is an entry in ClinVar:

NM_000051.4(ATM):c.5849C>A (p.Ala1950Asp)

Genes: ATM (ATM serine/threonine kinase; plus strand), C11orf65 (chromosome 11 open reading frame 65; minus strand). Cytogenetic location: 11q22.3.
Variant type: single nucleotide variant.
Coding change: c.5849C>A on transcript NM_000051.4 (MANE Select); coding-DNA position 5849, C replaced by A.
Protein change: p.Ala1950Asp; replaces alanine 1950 with aspartic acid.
Molecular consequence: missense variant. On other transcripts: intron variant (2).
Genome position (GRCh38, 1-based): chr11:108,310,246, C>A. VCF-style: chr11-108310246-C-A. GRCh37 (hg19) VCF-style: chr11-108180973-C-A.
Other names: c.5849C>A, p.Ala1950Asp (NM_001351834.2); c.641-1175G>T (NM_001330368.2); c.*39-1175G>T (NM_001351110.2); short protein forms A1950D.
Identifiers: ClinVar variation 1485743 (VCV001485743.8), dbSNP rs1591746083, ClinGen allele CA382548457.

ClinVar aggregate classification (germline): Uncertain significance (1 of 4 stars; one submission).

Conditions:
Ataxia-telangiectasia syndrome (AT). Also called: LOUIS-BAR SYNDROME; Cerebello-oculocutaneous telangiectasia; Immunodeficiency with ataxia telangiectasia; Ataxia telangiectasia (A-T); Ataxia-telangiectasia, complementation group D; AT, COMPLEMENTATION GROUP C. Identifiers: Orphanet 100, MedGen C0004135, MONDO:0008840, OMIM 208900.

Submission:

Labcorp Genetics (formerly Invitae), Labcorp
Classification: Uncertain significance for Ataxia-telangiectasia syndrome. Last evaluated: 2022-12-16. Review status: criteria provided, single submitter. Criteria: Invitae Variant Classification Sherloc (09022015). Collection method: clinical testing. Allele origin: germline.
Comment: This sequence change replaces alanine, which is neutral and non-polar, with aspartic acid, which is acidic and polar, at codon 1950 of the ATM protein (p.Ala1950Asp). This variant is not present in population databases (gnomAD no frequency). This variant has not been reported in the literature in individuals affected with ATM-related conditions. ClinVar contains an entry for this variant (Variation ID: 1485743). Algorithms developed to predict the effect of missense changes on protein structure and function (SIFT, PolyPhen-2, Align-GVGD) all suggest that this variant is likely to be disruptive. In summary, the available evidence is currently insufficient to determine the role of this variant in disease. Therefore, it has been classified as a Variant of Uncertain Significance.